The following is an entry in ClinVar:

ClinVar aggregate classification (germline): Pathogenic (1 of 4 stars; one submission).

Conditions:
Intellectual disability-severe speech delay-mild dysmorphism syndrome (IDDLA). Also called: Mental retardation with language impairment and autistic features; Intellectual developmental disorder with language impairment AND with or without autistic features; FOXP1 Syndrome. Identifiers: Orphanet 391372, MedGen C4013764, MONDO:0013352, OMIM 613670.

Submission:

Institute for Genomic Medicine (IGM) Clinical Laboratory, Nationwide Children's Hospital
Classification: Pathogenic for Intellectual disability-severe speech delay-mild dysmorphism syndrome. Last evaluated: 2018-11-13. Review status: criteria provided, single submitter. Criteria: ACMG Guidelines, 2015. Collection method: clinical testing. Allele origin: germline. Affected: yes.
Comment: [ACMG/AMP: PVS1, PS2, PM2] This alteration is a null variant in a gene where LOF is a known mechanism of disease [PVS1], is de novo in origin as it was not detected in the submitted parental specimens (identity confirmed) [PS2], is absent from or rarely observed in large-scale population databases [PM2].

NM_001349338.3(FOXP1):c.1420_1423del (p.Ile474fs)

Gene: FOXP1 (forkhead box P1; minus strand). Cytogenetic location: 3p13.
Variant type: Deletion.
Coding change: c.1420_1423del on transcript NM_001349338.3 (MANE Select); coding-DNA positions 1420 to 1423, 4 bases deleted (ATTA; older notation c.1420_1423delATTA).
Protein change: p.Ile474fs; shifts the reading frame from isoleucine 474.
Molecular consequence: frameshift variant. On other transcripts: non-coding transcript variant (2).
Genome position (GRCh38, 1-based): chr3:70,977,648-70,977,651, TAAT deleted on the plus strand (ATTA on the coding strand, the reverse complement: FOXP1 is on the minus strand); deleting any 4 consecutive bases within chr3:70,977,648-70,977,654 gives the same sequence; the c. name uses the placement nearest the transcript's 3' end. VCF-style (leftmost placement, unchanged base first): chr3-70977647-CTAAT-C. GRCh37 (hg19) VCF-style: chr3-71026798-CTAAT-C.
Other names: c.1417_1420del, p.Ile473fs (NM_001244808.3, NM_001349341.3); c.1420_1423del, p.Ile474fs (NM_001244810.2, NM_001244814.3, NM_001244816.2 and 2 more transcripts); c.1192_1195del, p.Ile398fs (NM_001244812.3); c.1120_1123del, p.Ile374fs (NM_001244813.3, NM_001244815.2, NM_001349342.3); c.1117_1120del, p.Ile373fs (NM_001349337.2, NM_001349343.3, NM_001349344.3 and 1 more transcripts); short protein forms I373fs, I374fs, I398fs, I473fs, I474fs.
Identifiers: ClinVar variation 973237 (VCV000973237.5), dbSNP rs2037850716, ClinGen allele CA1139658156.
Genomic context (GRCh38, chr3:70,977,647, plus strand): 5'-ATCCATGTACACATATACCTTCTGACAGAATTTCATATACTGTGTTATTTACTTACCTGC[CTAAT>C]TAAAGATGCATATGTAAATGGTGGTCTAACTTCTGCGTTCTTATAAAATTCTTGGTTCTG-3'